The following is an entry in ClinVar:

NM_000140.5(FECH):c.913-13A>G

Gene: FECH (ferrochelatase; minus strand). Cytogenetic location: 18q21.31.
Variant type: single nucleotide variant.
Coding change: c.913-13A>G on transcript NM_000140.5 (MANE Select); 13 bases into the intron before coding-DNA position 913, A replaced by G.
Molecular consequence: intron variant.
Genome position (GRCh38, 1-based): chr18:57,554,437, T>C on the plus strand (A>G on the coding strand, the complement: FECH is on the minus strand). VCF-style: chr18-57554437-T-C. GRCh37 (hg19) VCF-style: chr18-55221669-T-C.
Other names: c.814-13A>G (NM_001371094.1); c.913-13A>G (NM_001374778.1); c.931-13A>G (NM_001012515.4); c.697-13A>G (NM_001371095.1).
Identifiers: ClinVar variation 327426 (VCV000327426.13), dbSNP rs200538834, ClinGen allele CA8973045.

ClinVar aggregate classification (germline): Likely benign. Review status: criteria provided, multiple submitters, no conflicts (2 of 4 stars). 3 submissions from 3 submitters: Likely benign (3). Last evaluated 2025-12-03.

Conditions:
Protoporphyria, erythropoietic, 1 (EPP1). Also called: Erythropoietic Protoporphyria, Autosomal Recessive; FERROCHELATASE DEFICIENCY; HEME SYNTHETASE DEFICIENCY. Identifiers: Orphanet 79278, MedGen C4692546, MONDO:0008319, OMIM 177000.

Allele frequency attached by ClinVar (database versions not stated): gnomAD exomes 0.00012 and 0.00022; ExAC 0.00014; TOPMed 0.00019; gnomAD 0.00021 and 0.00022; ESP Exome Variant Server 0.00038.

Submissions (3):

Labcorp Genetics (formerly Invitae), Labcorp
Classification: Likely benign. Last evaluated: 2025-12-03. Review status: criteria provided, single submitter. Criteria: Invitae Variant Classification Sherloc (09022015). Collection method: clinical testing. Allele origin: germline.

Blueprint Genetics
Classification: Likely benign. Last evaluated: 2024-07-08. Review status: criteria provided, single submitter. Criteria: ACMG Guidelines, 2015. Collection method: clinical testing. Allele origin: germline.

Illumina Laboratory Services, Illumina
Classification: Likely benign for Protoporphyria, erythropoietic, 1. Last evaluated: 2018-01-13. Review status: criteria provided, single submitter. Criteria: ICSL Variant Classification Criteria 13 December 2019. Collection method: clinical testing. Allele origin: germline.
Comment: This variant was observed in the ICSL laboratory as part of a predisposition screen in an ostensibly healthy population. It had not been previously curated by ICSL or reported in the Human Gene Mutation Database (HGMD: prior to June 1st, 2018), and was therefore a candidate for classification through an automated scoring system. Utilizing variant allele frequency, disease prevalence and penetrance estimates, and inheritance mode, an automated score was calculated to assess if this variant is too frequent to cause the disease. Based on the score and internal cut-off values, a variant classified as likely benign is not then subjected to further curation. The score for this variant resulted in a classification of likely benign for this disease.